The following is an entry in ClinVar:

NM_014516.4(CNOT3):c.1372C>T (p.Pro458Ser)

Gene: CNOT3 (CCR4-NOT transcription complex subunit 3; plus strand). Cytogenetic location: 19q13.42.
Variant type: single nucleotide variant.
Coding change: c.1372C>T on transcript NM_014516.4 (MANE Select); coding-DNA position 1372, C replaced by T.
Protein change: p.Pro458Ser; replaces proline 458 with serine.
Molecular consequence: missense variant.
Genome position (GRCh38, 1-based): chr19:54,148,709, C>T. VCF-style: chr19-54148709-C-T. GRCh37 (hg19) VCF-style: chr19-54652444-C-T.
Other names: short protein forms P458S.
Identifiers: ClinVar variation 1308956 (VCV001308956.3), dbSNP rs781143246, ClinGen allele CA407765919.

ClinVar aggregate classification (germline): Uncertain significance (1 of 4 stars; one submission).

Submission:

GeneDx
Classification: Uncertain significance. Last evaluated: 2025-05-16. Review status: criteria provided, single submitter. Criteria: GeneDx Variant Classification Process June 2021. Collection method: clinical testing. Allele origin: germline. Affected: yes.
Comment: Not observed at significant frequency in large population cohorts (gnomAD); In silico analysis supports that this missense variant has a deleterious effect on protein structure/function; Has not been previously published as pathogenic or benign to our knowledge